The following is an entry in ClinVar:

NM_014244.5(ADAMTS2):c.2840A>G (p.His947Arg)

Gene: ADAMTS2 (ADAM metallopeptidase with thrombospondin type 1 motif 2; minus strand). Cytogenetic location: 5q35.3.
Variant type: single nucleotide variant.
Coding change: c.2840A>G on transcript NM_014244.5 (MANE Select); coding-DNA position 2840, A replaced by G.
Protein change: p.His947Arg; replaces histidine 947 with arginine.
Molecular consequence: missense variant.
Genome position (GRCh38, 1-based): chr5:179,125,091, T>C on the plus strand (A>G on the coding strand, the complement: ADAMTS2 is on the minus strand). VCF-style: chr5-179125091-T-C. GRCh37 (hg19) VCF-style: chr5-178552092-T-C.
Other names: short protein forms H947R.
Identifiers: ClinVar variation 1025954 (VCV001025954.11), dbSNP rs1762831111, ClinGen allele CA362420421.

ClinVar aggregate classification (germline): Uncertain significance (1 of 4 stars; one submission).

Conditions:
Ehlers-Danlos syndrome, dermatosparaxis type. Also called: EDS VIIC; Ehlers-Danlos syndrome, type VII, autosomal recessive; Dermatosparaxis. Identifiers: Orphanet 1901, MedGen C2700425, MONDO:0009161, OMIM 225410.

Submission:

Labcorp Genetics (formerly Invitae), Labcorp
Classification: Uncertain significance for Ehlers-Danlos syndrome, dermatosparaxis type. Last evaluated: 2020-02-03. Review status: criteria provided, single submitter. Criteria: Invitae Variant Classification Sherloc (09022015). Collection method: clinical testing. Allele origin: germline.
Comment: Algorithms developed to predict the effect of missense changes on protein structure and function are either unavailable or do not agree on the potential impact of this missense change (SIFT: "Deleterious"; PolyPhen-2: "Benign"; Align-GVGD: "Class C25"). This sequence change replaces histidine with arginine at codon 947 of the ADAMTS2 protein (p.His947Arg). The histidine residue is highly conserved and there is a small physicochemical difference between histidine and arginine. This variant is not present in population databases (ExAC no frequency). This variant has not been reported in the literature in individuals with ADAMTS2-related conditions. In summary, the available evidence is currently insufficient to determine the role of this variant in disease. Therefore, it has been classified as a Variant of Uncertain Significance.